The following is an entry in ClinVar:

NM_017617.5(NOTCH1):c.87G>T (p.Glu29Asp)

Gene: NOTCH1 (notch receptor 1; minus strand). Cytogenetic location: 9q34.3.
Variant type: single nucleotide variant.
Coding change: c.87G>T on transcript NM_017617.5 (MANE Select); coding-DNA position 87, G replaced by T.
Protein change: p.Glu29Asp; replaces glutamic acid 29 with aspartic acid.
Molecular consequence: missense variant.
Genome position (GRCh38, 1-based): chr9:136,544,077, C>A on the plus strand (G>T on the coding strand, the complement: NOTCH1 is on the minus strand). VCF-style: chr9-136544077-C-A. GRCh37 (hg19) VCF-style: chr9-139438529-C-A.
Other names: short protein forms E29D.
Identifiers: ClinVar variation 2586741 (VCV002586741.2), dbSNP rs1843774562, ClinGen allele CA375579205.
Genomic context (GRCh38, chr9:136,544,077, plus strand): 5'-TACTCACACGCAGGCCTCCGTGCCATTGGCCGCTTCACACTTCCCGCCATTCAGGCAGGT[C>A]TCACCGGGCTGGGAGCATCGCGGGCCTAGGCAGGGGCAGGAGAAGAGAGGTCAGTCTCAC-3'
Protein context (NP_060087.3, residues 19-39): ARGPRCSQPG[Glu29Asp]TCLNGGKCEA

ClinVar aggregate classification (germline): Uncertain significance (1 of 4 stars; one submission).

Conditions:
Familial thoracic aortic aneurysm and aortic dissection (TAAD). Also called: Thoracic aortic aneurysms and dissections. Identifiers: Orphanet 91387, MedGen C4707243, MONDO:0019625.

Allele frequency attached by ClinVar (database versions not stated): gnomAD 0.00001.

Submission:

Ambry Genetics
Classification: Uncertain significance for Familial thoracic aortic aneurysm and aortic dissection. Last evaluated: 2023-06-27. Review status: criteria provided, single submitter. Criteria: Ambry Variant Classification Scheme 2023. Collection method: clinical testing. Allele origin: germline.
Comment: The p.E29D variant (also known as c.87G>T), located in coding exon 2 of the NOTCH1 gene, results from a G to T substitution at nucleotide position 87. The glutamic acid at codon 29 is replaced by aspartic acid, an amino acid with highly similar properties. This amino acid position is well conserved in available vertebrate species. In addition, this alteration is predicted to be tolerated by in silico analysis. Since supporting evidence is limited at this time, the clinical significance of this alteration remains unclear.